The following is an entry in ClinVar:

ClinVar aggregate classification (germline): Conflicting classifications of pathogenicity. Review status: criteria provided, conflicting classifications (1 of 4 stars). 7 submissions from 6 submitters: Uncertain significance (6); Likely benign (1). Last evaluated 2025-12-14.

Conditions:
Inborn genetic diseases. Identifiers: MedGen C0950123, MeSH D030342.
Seckel syndrome 4 (SCKL4). Identifiers: Orphanet 808, MedGen C3888212, MONDO:0013358, OMIM 613676.
Microcephaly 6, primary, autosomal recessive. Identifiers: Orphanet 2512, MedGen C1842109, MONDO:0012029, OMIM 608393.

Allele frequency attached by ClinVar (database versions not stated): ExAC 0.00002; gnomAD exomes 0.00002 and 0.00004; 1000 Genomes Project 0.00040; gnomAD 0.00041 and 0.00043; 1000 Genomes Project 30x 0.00047; TOPMed 0.00105.
gnomAD v4.1: 110 of 1,613,404 alleles (0.0068%); highest among the groups gnomAD compares: Admixed American, 0.15%; no homozygotes.

Submissions (7):

Labcorp Genetics (formerly Invitae), Labcorp
Classification: Uncertain significance. Last evaluated: 2025-12-14. Review status: criteria provided, single submitter. Criteria: Invitae Variant Classification Sherloc (09022015). Collection method: clinical testing. Allele origin: germline.
Comment: This sequence change replaces glutamine, which is neutral and polar, with histidine, which is basic and polar, at codon 200 of the CENPJ protein (p.Gln200His). This variant is present in population databases (rs200061825, gnomAD 0.02%). This variant has not been reported in the literature in individuals affected with CENPJ-related conditions. ClinVar contains an entry for this variant (Variation ID: 158216). Invitae Evidence Modeling of protein sequence and biophysical properties (such as structural, functional, and spatial information, amino acid conservation, physicochemical variation, residue mobility, and thermodynamic stability) indicates that this missense variant is not expected to disrupt CENPJ protein function with a negative predictive value of 80%. In summary, the available evidence is currently insufficient to determine the role of this variant in disease. Therefore, it has been classified as a Variant of Uncertain Significance.

Ambry Genetics
Classification: Uncertain significance for Inborn genetic diseases. Last evaluated: 2023-03-23. Review status: criteria provided, single submitter. Criteria: Ambry Variant Classification Scheme 2023. Collection method: clinical testing. Allele origin: germline.

Fulgent Genetics
Classification: Uncertain significance for Microcephaly 6, primary, autosomal recessive; Seckel syndrome 4. Last evaluated: 2018-10-31. Review status: criteria provided, single submitter. Criteria: ACMG Guidelines, 2015. Collection method: clinical testing. Allele origin: unknown.

Illumina Laboratory Services, Illumina
Classification: Likely benign for Seckel syndrome 4. Last evaluated: 2018-01-13. Review status: criteria provided, single submitter. Criteria: ICSL Variant Classification Criteria 13 December 2019. Collection method: clinical testing. Allele origin: germline.
Comment: This variant was observed in the ICSL laboratory as part of a predisposition screen in an ostensibly healthy population. It had not been previously curated by ICSL or reported in the Human Gene Mutation Database (HGMD: prior to June 1st, 2018), and was therefore a candidate for classification through an automated scoring system. Utilizing variant allele frequency, disease prevalence and penetrance estimates, and inheritance mode, an automated score was calculated to assess if this variant is too frequent to cause the disease. Based on the score and internal cut-off values, a variant classified as likely benign is not then subjected to further curation. The score for this variant resulted in a classification of likely benign for this disease.

Illumina Laboratory Services, Illumina
Classification: Uncertain significance for Microcephaly 6, primary, autosomal recessive. Last evaluated: 2018-01-13. Review status: criteria provided, single submitter. Criteria: ICSL Variant Classification Criteria 13 December 2019. Collection method: clinical testing. Allele origin: germline.

Athena Diagnostics
Classification: Uncertain significance. Last evaluated: 2017-12-27. Review status: criteria provided, single submitter. Criteria: Athena Diagnostics Criteria. Collection method: clinical testing. Allele origin: germline.

Genetic Services Laboratory, University of Chicago
Classification: Uncertain significance for Microcephaly 6, primary, autosomal recessive. Last evaluated: 2013-12-11. Review status: criteria provided, single submitter. Criteria: ACMG Guidelines, 2007. Collection method: clinical testing. Allele origin: germline. Inheritance: Autosomal recessive inheritance.

NM_018451.5(CPAP):c.600G>T (p.Gln200His)

Gene: CPAP (centrosome assembly and centriole elongation protein; minus strand). Cytogenetic location: 13q12.13.
Variant type: single nucleotide variant.
Coding change: c.600G>T on transcript NM_018451.5 (MANE Select); coding-DNA position 600, G replaced by T.
Protein change: p.Gln200His; replaces glutamine 200 with histidine.
Molecular consequence: missense variant. On other transcripts: non-coding transcript variant (2).
Genome position (GRCh38, 1-based): chr13:24,910,055, C>A on the plus strand (G>T on the coding strand, the complement: CPAP is on the minus strand). VCF-style: chr13-24910055-C-A. GRCh37 (hg19) VCF-style: chr13-25484193-C-A.
Other names: short protein forms Q200H.
Identifiers: ClinVar variation 158216 (VCV000158216.16), dbSNP rs200061825, ClinGen allele CA271269.